The following is an entry in ClinVar:

ClinVar aggregate classification (germline): Pathogenic (1 of 4 stars; one submission).

Conditions:
2-aminoadipic 2-oxoadipic aciduria (AAKAD). Also called: Aminoadipic aciduria; ALPHA-AMINOADIPIC AND ALPHA-KETOADIPIC ACIDURIA. Identifiers: Orphanet 79154, MedGen C1859817, MONDO:0008774, OMIM 204750.

Submission:

Labcorp Genetics (formerly Invitae), Labcorp
Classification: Pathogenic for 2-aminoadipic 2-oxoadipic aciduria. Last evaluated: 2023-10-22. Review status: criteria provided, single submitter. Criteria: Invitae Variant Classification Sherloc (09022015). Collection method: clinical testing. Allele origin: unknown.
Comment: This variant is a gross deletion of the genomic region encompassing exon(s) 12 of the DHTKD1 gene. This deletion is out-of-frame, and is expected to create a premature termination codon and result in an absent or disrupted protein product. Loss-of-function variants in DHTKD1 are known to be pathogenic (PMID: 23141293, 25860818). This variant has not been reported in the literature in individuals affected with DHTKD1-related conditions. For these reasons, this variant has been classified as Pathogenic.

Literature cited by the submitters: PubMed 23141293; PubMed 25860818.

NC_000010.10:g.(?_12149888)_(12150034_?)del

Gene: DHTKD1 (dehydrogenase E1 and transketolase domain containing 1; plus strand). Cytogenetic location: 10p14.
Variant type: Deletion.
Identifiers: ClinVar variation 3244848 (VCV003244848.1).